The following is an entry in ClinVar:

NM_000361.3(THBD):c.1212C>T (p.Cys404=)

Gene: THBD (thrombomodulin; minus strand). Cytogenetic location: 20p11.21.
Variant type: single nucleotide variant.
Coding change: c.1212C>T on transcript NM_000361.3 (MANE Select); coding-DNA position 1212, C replaced by T.
Protein change: p.Cys404=; no amino-acid change (cysteine 404 retained).
Molecular consequence: synonymous variant.
Genome position (GRCh38, 1-based): chr20:23,048,293, G>A on the plus strand (C>T on the coding strand, the complement: THBD is on the minus strand). VCF-style: chr20-23048293-G-A. GRCh37 (hg19) VCF-style: chr20-23028930-G-A.
Identifiers: ClinVar variation 4691422 (VCV004691422.1).

ClinVar aggregate classification (germline): Uncertain significance (1 of 4 stars; one submission).

Submission:

Labcorp Genetics (formerly Invitae), Labcorp
Classification: Uncertain significance. Last evaluated: 2025-06-12. Review status: criteria provided, single submitter. Criteria: Invitae Variant Classification Sherloc (09022015). Collection method: clinical testing. Allele origin: germline.
Comment: This sequence change affects codon 404 of the THBD mRNA. It is a 'silent' change, meaning that it does not change the encoded amino acid sequence of the THBD protein. This variant is not present in population databases (gnomAD no frequency). This variant has not been reported in the literature in individuals affected with THBD-related conditions. In summary, the available evidence is currently insufficient to determine the role of this variant in disease. Therefore, it has been classified as a Variant of Uncertain Significance.